The following is an entry in ClinVar:

NM_015158.5(KANK1):c.677C>T (p.Ala226Val)

Gene: KANK1 (KN motif and ankyrin repeat domains 1; plus strand). Cytogenetic location: 9p24.3.
Variant type: single nucleotide variant.
Coding change: c.677C>T on transcript NM_015158.5 (MANE Select); coding-DNA position 677, C replaced by T.
Protein change: p.Ala226Val; replaces alanine 226 with valine.
Molecular consequence: missense variant. On other transcripts: non-coding transcript variant (1).
Genome position (GRCh38, 1-based): chr9:711,443, C>T. VCF-style: chr9-711443-C-T. GRCh37 (hg19) VCF-style: chr9-711443-C-T.
Other names: c.677C>T, p.Ala226Val (NM_001256876.3, NM_001256877.3, NM_001354331.2 and 2 more transcripts); c.203C>T, p.Ala68Val (NM_001354333.2, NM_001354335.2, NM_001354336.2 and 9 more transcripts); short protein forms A68V, A226V.
Identifiers: ClinVar variation 1960850 (VCV001960850.5), dbSNP rs769853637, ClinGen allele CA4960012.
Genomic context (GRCh38, chr9:711,443, plus strand): 5'-ATCCTGCCAAGCACCAGCTTCAGAATGGATACCAAGGTAATGGGGATTATGGTAGCTATG[C>T]CCCAGCTGCTCCCACCACTTCCTCCATGGGGAGCTCCATCCGCCACAGCCCCCTGAGCTC-3'
Protein context (NP_055973.2, residues 216-236): YQGNGDYGSY[Ala226Val]PAAPTTSSMG

ClinVar aggregate classification (germline): Uncertain significance (1 of 4 stars; one submission).

Allele frequency attached by ClinVar (database versions not stated): gnomAD exomes below 0.00001; ExAC 0.00001; gnomAD 0.00001.
gnomAD v4.1: 5 of 1,614,002 alleles (0.00031%); highest among the groups gnomAD compares: Admixed American, 0.005%; no homozygotes.

Submission:

Labcorp Genetics (formerly Invitae), Labcorp
Classification: Uncertain significance. Last evaluated: 2024-10-26. Review status: criteria provided, single submitter. Criteria: Invitae Variant Classification Sherloc (09022015). Collection method: clinical testing. Allele origin: germline.
Comment: This sequence change replaces alanine, which is neutral and non-polar, with valine, which is neutral and non-polar, at codon 226 of the KANK1 protein (p.Ala226Val). This variant is present in population databases (rs769853637, gnomAD 0.006%). This variant has not been reported in the literature in individuals affected with KANK1-related conditions. ClinVar contains an entry for this variant (Variation ID: 1960850). Invitae Evidence Modeling of protein sequence and biophysical properties (such as structural, functional, and spatial information, amino acid conservation, physicochemical variation, residue mobility, and thermodynamic stability) indicates that this missense variant is not expected to disrupt KANK1 protein function with a negative predictive value of 80%. In summary, the available evidence is currently insufficient to determine the role of this variant in disease. Therefore, it has been classified as a Variant of Uncertain Significance.